The following is an entry in ClinVar:

ClinVar aggregate classification (germline): Conflicting classifications of pathogenicity. Review status: criteria provided, conflicting classifications (1 of 4 stars). 4 submissions from 4 submitters: Likely pathogenic (3); Uncertain significance (1). Last evaluated 2026-03-18.

Conditions:
Hereditary cancer-predisposing syndrome. Also called: Hereditary neoplastic syndrome; Neoplastic Syndromes, Hereditary; Tumor predisposition; Hereditary Cancer Syndrome. Identifiers: Orphanet 140162, MedGen C0027672, MeSH D009386, MONDO:0015356.
Cardiovascular phenotype. Identifiers: MedGen CN230736.
LZTR1-related schwannomatosis. Also called: Schwannomatosis-2, susceptibility to; Schwannomatosis 2. Identifiers: Orphanet 93921, MedGen C3810283, MONDO:0014299, OMIM 615670.
LZTR1-related disorder. Also called: LZTR1-related disorders; LZTR1-related condition.

Allele frequency attached by ClinVar (database versions not stated): TOPMed below 0.00001.

Submissions (4):

PreventionGenetics, part of Exact Sciences
Classification: Likely pathogenic for LZTR1-related condition. Last evaluated: 2026-03-18. Review status: criteria provided, single submitter. Criteria: ACMG Guidelines, 2015. Collection method: clinical testing. Allele origin: germline.
Comment: The LZTR1 c.1449+2T>G variant is predicted to disrupt the GT donor site and interfere with normal splicing. To our knowledge, this variant has not been reported in the literature or in a large population database (gnomAD), indicating this variant is rare. Variants that disrupt the consensus splice donor site in LZTR1 are expected to be pathogenic. This variant is interpreted as pathogenic for autosomal recessive Noonan syndrome and autosomal dominant susceptibility to schwannomatosis. However, this variant is interpreted as uncertain for autosomal dominant Noonan syndrome.

CeGaT Center for Human Genetics Tuebingen
Classification: Uncertain significance. Last evaluated: 2025-11-01. Review status: criteria provided, single submitter. Criteria: CeGaT Center For Human Genetics Tuebingen Variant Classification Criteria Version 2. Collection method: clinical testing. Allele origin: germline. Affected: yes. Observed: 1 variant allele.
Comment: LZTR1: PM2, PVS1:Moderate, PP4

Baylor Genetics
Classification: Likely pathogenic for LZTR1-related schwannomatosis. Last evaluated: 2023-09-09. Review status: criteria provided, single submitter. Criteria: ACMG Guidelines, 2015. Collection method: clinical testing. Allele origin: unknown.

Ambry Genetics
Classification: Likely pathogenic for Cardiovascular phenotype; Hereditary cancer-predisposing syndrome. Last evaluated: 2023-05-09. Review status: criteria provided, single submitter. Criteria: Ambry Variant Classification Scheme 2023. Collection method: clinical testing. Allele origin: germline.
Comment: The c.1449+2T>G intronic variant results from a T to G substitution two nucleotides after coding exon 13 in the LZTR1 gene. Alterations that disrupt the canonical splice site are expected to result in aberrant splicing. In silico splice site analysis predicts that this alteration will weaken the native splice donor site. RNA studies have demonstrated that this alteration results in abnormal splicing in the set of samples tested (Ambry internal data). The resulting transcript is predicted to be in-frame and is not expected to trigger nonsense-mediated mRNA decay. Although the exact functional effect of the altered amino acid sequence is unknown, the impacted region is critical for protein function (Ambry internal data). This variant is considered to be rare based on population cohorts in the Genome Aggregation Database (gnomAD). This nucleotide position is highly conserved in available vertebrate species. Based on the supporting evidence, this variant is likely pathogenic for an increased risk of LZTR1-related schwannomatosis (SWN) and would be expected to cause autosomal recessive Noonan syndrome when present along with a second pathogenic or likely pathogenic variant on the other allele.

NM_006767.4(LZTR1):c.1449+2T>G

Gene: LZTR1 (leucine zipper like post translational regulator 1; plus strand). Cytogenetic location: 22q11.21.
Variant type: single nucleotide variant.
Coding change: c.1449+2T>G on transcript NM_006767.4 (MANE Select); the canonical splice donor site of the intron after coding-DNA position 1449, T replaced by G.
Molecular consequence: splice donor variant.
Genome position (GRCh38, 1-based): chr22:20,994,021, T>G. VCF-style: chr22-20994021-T-G. GRCh37 (hg19) VCF-style: chr22-21348310-T-G.
Other names: c.1449+2T>G (NM_006767.3).
Identifiers: ClinVar variation 2676390 (VCV002676390.9), dbSNP rs1036772752, ClinGen allele CA322268972.